The following is an entry in ClinVar:

NM_000088.4(COL1A1):c.*981G>C

Gene: COL1A1 (collagen type I alpha 1 chain; minus strand). Cytogenetic location: 17q21.33.
Variant type: single nucleotide variant.
Coding change: c.*981G>C on transcript NM_000088.4 (MANE Select); 981 bases downstream of the stop codon, G replaced by C.
Molecular consequence: 3 prime UTR variant.
Genome position (GRCh38, 1-based): chr17:50,184,521, C>G on the plus strand (G>C on the coding strand, the complement: COL1A1 is on the minus strand). VCF-style: chr17-50184521-C-G. GRCh37 (hg19) VCF-style: chr17-48261882-C-G.
Identifiers: ClinVar variation 324069 (VCV000324069.29), dbSNP rs574167621, ClinGen allele CA10650523.

ClinVar aggregate classification (germline): Conflicting classifications of pathogenicity. Review status: criteria provided, conflicting classifications (1 of 4 stars). 4 submissions from 2 submitters: Uncertain significance (3); Benign (1). Last evaluated 2022-12-01.

Conditions:
Osteogenesis imperfecta (OI). Identifiers: Orphanet 666, MedGen C0029434, MeSH D010013, MONDO:0019019.
Infantile cortical hyperostosis. Also called: Hyperostosis, Cortical, Congenital; Caffey Disease; P1PK BLOOD GROUP SYSTEM, P(2) PHENOTYPE. Identifiers: Orphanet 1310, MedGen C0020497, MONDO:0007244, OMIM 114000.
Ehlers-Danlos syndrome, arthrochalasia type. Also called: ARTHROCHALASIS MULTIPLEX CONGENITA; EDS VII, MUTANT PROCOLLAGEN TYPE; EDS VIIA; Ehlers-Danlos syndrome, arthrochalasis type; Ehlers-Danlos syndrome, arthrochalasia type, 1. Identifiers: Orphanet 1899, Orphanet 99875, Orphanet 99876, MedGen C4551623, MONDO:0007525, OMIM 130060.

Allele frequency attached by ClinVar (database versions not stated): 1000 Genomes Project 0.00020; gnomAD 0.00041 and 0.00045; TOPMed 0.00045; gnomAD exomes 0.00102.
gnomAD v4.1: 138 of 222,600 alleles (0.062%); highest among the groups gnomAD compares: Non-Finnish European, 0.019%; 1 homozygote.

Submissions (4):

CeGaT Center for Human Genetics Tuebingen
Classification: Benign. Last evaluated: 2022-12-01. Review status: criteria provided, single submitter. Criteria: CeGaT Center For Human Genetics Tuebingen Variant Classification Criteria Version 2. Collection method: clinical testing. Allele origin: germline. Affected: yes. Observed: 2 variant alleles.
Comment: COL1A1: BS1, BS2

Illumina Laboratory Services, Illumina
Classification: Uncertain significance for Osteogenesis imperfecta. Last evaluated: 2018-01-13. Review status: criteria provided, single submitter. Criteria: ICSL Variant Classification Criteria 13 December 2019. Collection method: clinical testing. Allele origin: germline.

Illumina Laboratory Services, Illumina
Classification: Uncertain significance for Infantile cortical hyperostosis. Last evaluated: 2018-01-13. Review status: criteria provided, single submitter. Criteria: ICSL Variant Classification Criteria 13 December 2019. Collection method: clinical testing. Allele origin: germline.

Illumina Laboratory Services, Illumina
Classification: Uncertain significance for Ehlers-Danlos syndrome, arthrochalasia type. Last evaluated: 2018-01-13. Review status: criteria provided, single submitter. Criteria: ICSL Variant Classification Criteria 13 December 2019. Collection method: clinical testing. Allele origin: germline.